The following is an entry in ClinVar:

NM_017760.7(NCAPG2):c.2723G>A (p.Arg908Gln)

Gene: NCAPG2 (non-SMC condensin II complex subunit G2; minus strand). Cytogenetic location: 7q36.3.
Variant type: single nucleotide variant.
Coding change: c.2723G>A on transcript NM_017760.7 (MANE Select); coding-DNA position 2723, G replaced by A.
Protein change: p.Arg908Gln; replaces arginine 908 with glutamine.
Molecular consequence: missense variant. On other transcripts: non-coding transcript variant (1).
Genome position (GRCh38, 1-based): chr7:158,654,618, C>T on the plus strand (G>A on the coding strand, the complement: NCAPG2 is on the minus strand). VCF-style: chr7-158654618-C-T. GRCh37 (hg19) VCF-style: chr7-158447310-C-T.
Other names: c.2723G>A, p.Arg908Gln (NM_001281932.2, NM_001281933.2); c.2723G>A (NM_017760.5); short protein forms R908Q.
Identifiers: ClinVar variation 2682229 (VCV002682229.2), dbSNP rs186888334, ClinGen allele CA4592471.

ClinVar aggregate classification (germline): Uncertain significance. Review status: criteria provided, multiple submitters, no conflicts (2 of 4 stars). 2 submissions from 2 submitters: Uncertain significance (2). Last evaluated 2025-04-13.

Allele frequency attached by ClinVar (database versions not stated): ExAC 0.00005; gnomAD exomes 0.00007; TOPMed 0.00009; gnomAD 0.00013; 1000 Genomes Project 0.00020; 1000 Genomes Project 30x 0.00031.
gnomAD v4.1: 119 of 1,613,958 alleles (0.0074%); highest among the groups gnomAD compares: African/African-American, 0.029%; no homozygotes.

Submissions (2):

Ambry Genetics
Classification: Uncertain significance. Last evaluated: 2025-04-13. Review status: criteria provided, single submitter. Criteria: Ambry Variant Classification Scheme 2023. Collection method: clinical testing. Allele origin: germline.

Women's Health and Genetics/Laboratory Corporation of America, LabCorp
Classification: Uncertain significance. Last evaluated: 2023-11-21. Review status: criteria provided, single submitter. Criteria: LabCorp Variant Classification Summary - May 2015. Collection method: clinical testing. Allele origin: germline.
Comment: Variant summary: NCAPG2 c.2723G>A (p.Arg908Gln) results in a conservative amino acid change in the encoded protein sequence. Five of five in-silico tools predict a benign effect of the variant on protein function. The variant allele was found at a frequency of 4.8e-05 in 249378 control chromosomes. To our knowledge, no occurrence of c.2723G>A in individuals affected with Khan Khan Katsanis Syndrome and no experimental evidence demonstrating its impact on protein function have been reported. No submitters have cited clinical-significance assessments for this variant to ClinVar after 2014. Based on the evidence outlined above, the variant was classified as uncertain significance.